The following is an entry in ClinVar:

ClinVar aggregate classification (germline): Uncertain significance (1 of 4 stars; one submission).

Conditions:
Diffuse cerebral and cerebellar atrophy - intractable seizures - progressive microcephaly syndrome. Also called: Microcephaly, progressive, with seizures and cerebral and cerebellar atrophy. Identifiers: Orphanet 404437, MedGen C4014239, MONDO:0014335, OMIM 615760.

Allele frequency attached by ClinVar (database versions not stated): gnomAD exomes below 0.00001.
gnomAD v4.1: 1 of 1,614,184 alleles (0.000062%); highest among the groups gnomAD compares: Admixed American, 0.0017%; no homozygotes.

Submission:

Labcorp Genetics (formerly Invitae), Labcorp
Classification: Uncertain significance for Diffuse cerebral and cerebellar atrophy - intractable seizures - progressive microcephaly syndrome. Last evaluated: 2025-08-15. Review status: criteria provided, single submitter. Criteria: Invitae Variant Classification Sherloc (09022015). Collection method: clinical testing. Allele origin: germline.
Comment: This sequence change replaces serine, which is neutral and polar, with phenylalanine, which is neutral and non-polar, at codon 750 of the QARS protein (p.Ser750Phe). This variant is present in population databases (no rsID available, gnomAD 0.003%). This missense change has been observed in individual(s) with progressive microcephaly with seizures and cerebral and cerebellar atrophy (PMID: 33256324). ClinVar contains an entry for this variant (Variation ID: 1062927). Invitae Evidence Modeling of protein sequence and biophysical properties (such as structural, functional, and spatial information, amino acid conservation, physicochemical variation, residue mobility, and thermodynamic stability) has been performed for this missense variant. However, the output from this modeling did not meet the statistical confidence thresholds required to predict the impact of this variant on QARS protein function. In summary, the available evidence is currently insufficient to determine the role of this variant in disease. Therefore, it has been classified as a Variant of Uncertain Significance.

Literature cited by the submitters: PubMed 33256324.

NM_005051.3(QARS1):c.2249C>T (p.Ser750Phe)

Gene: QARS1 (glutaminyl-tRNA synthetase 1; minus strand). Cytogenetic location: 3p21.31.
Variant type: single nucleotide variant.
Coding change: c.2249C>T on transcript NM_005051.3 (MANE Select); coding-DNA position 2249, C replaced by T.
Protein change: p.Ser750Phe; replaces serine 750 with phenylalanine.
Molecular consequence: missense variant. On other transcripts: non-coding transcript variant (1).
Genome position (GRCh38, 1-based): chr3:49,098,020, G>A on the plus strand (C>T on the coding strand, the complement: QARS1 is on the minus strand). VCF-style: chr3-49098020-G-A. GRCh37 (hg19) VCF-style: chr3-49135453-G-A.
Other names: c.2216C>T, p.Ser739Phe (NM_001272073.2); short protein forms S739F, S750F.
Identifiers: ClinVar variation 1062927 (VCV001062927.5), dbSNP rs1293778465, ClinGen allele CA352696653.
Genomic context (GRCh38, chr3:49,098,020, plus strand): 5'-GCAGATGAGGGCAGGTGAGTAAAGTCAAGCACCTTTCCCTGATGGCTGTCTGGATCCACG[G>A]AGAAATATCCAAGACGCTCAAACTGGAACTTGTCGAAGGGTTTTGCCAGGGCCACAGAGC-3'
Protein context (NP_005042.1, residues 740-760): KFQFERLGYF[Ser750Phe]VDPDSHQGKL